The following is an entry in ClinVar:

NM_000492.4(CFTR):c.2082G>C (p.Gly694=)

Gene: CFTR (CF transmembrane conductance regulator; plus strand). Cytogenetic location: 7q31.2.
Variant type: single nucleotide variant.
Coding change: c.2082G>C on transcript NM_000492.4 (MANE Select); coding-DNA position 2082, G replaced by C.
Protein change: p.Gly694=; no amino-acid change (glycine 694 retained).
Molecular consequence: synonymous variant.
Genome position (GRCh38, 1-based): chr7:117,592,249, G>C. VCF-style: chr7-117592249-G-C. GRCh37 (hg19) VCF-style: chr7-117232303-G-C.
Identifiers: ClinVar variation 1785590 (VCV001785590.5), dbSNP rs1584812453, ClinGen allele CA457449038.

ClinVar aggregate classification (germline): Likely benign. Review status: criteria provided, multiple submitters, no conflicts (2 of 4 stars). 3 submissions from 3 submitters: Likely benign (2). 1 of the submissions does not count toward it. Last evaluated 2026-03-27.

Conditions:
CFTR-related disorder (CFTR-RD). Also called: CFTR-related condition; CFTR-related disorders. Identifiers: MedGen C5924204, MONDO:7770004.
Cystic fibrosis (CF). Also called: MUCOVISCIDOSIS. Identifiers: Orphanet 586, MedGen C0010674, MONDO:0009061, OMIM 219700. Disease mechanism: loss of function.

Allele frequency attached by ClinVar (database versions not stated): TOPMed 0.00001.
gnomAD v4.1: 1 of 1,613,592 alleles (0.000062%); highest among the groups gnomAD compares: Non-Finnish European, 0.000085%; no homozygotes.

Submissions (3):

Women's Health and Genetics/Laboratory Corporation of America, LabCorp
Classification: Likely benign. Last evaluated: 2026-03-27. Review status: criteria provided, single submitter. Criteria: LabCorp Variant Classification Summary - May 2015. Collection method: clinical testing. Allele origin: germline.

Ambry Genetics
Classification: Likely benign for Cystic fibrosis. Last evaluated: 2019-09-22. Review status: criteria provided, single submitter. Criteria: Ambry Variant Classification Scheme 2023. Collection method: clinical testing. Allele origin: germline.

PreventionGenetics, part of Exact Sciences
Classification: Likely benign for CFTR-related condition. Last evaluated: 2022-02-28. Review status: no assertion criteria provided. Collection method: clinical testing. Allele origin: germline. Not counted in ClinVar's aggregate classification.
Comment: This variant is classified as likely benign based on ACMG/AMP sequence variant interpretation guidelines (Richards et al. 2015 PMID: 25741868, with internal and published modifications).